The following is an entry in ClinVar:

NM_004036.5(ADCY3):c.1163T>C (p.Ile388Thr)

Gene: ADCY3 (adenylate cyclase 3; minus strand). Cytogenetic location: 2p23.3.
Variant type: single nucleotide variant.
Coding change: c.1163T>C on transcript NM_004036.5 (MANE Select); coding-DNA position 1163, T replaced by C.
Protein change: p.Ile388Thr; replaces isoleucine 388 with threonine.
Molecular consequence: missense variant.
Genome position (GRCh38, 1-based): chr2:24,841,292, A>G on the plus strand (T>C on the coding strand, the complement: ADCY3 is on the minus strand). VCF-style: chr2-24841292-A-G. GRCh37 (hg19) VCF-style: chr2-25064161-A-G.
Other names: c.1163T>C, p.Ile388Thr (NM_001320613.2, NM_001377128.1, NM_001377129.1 and 2 more transcripts); c.440T>C, p.Ile147Thr (NM_001377131.1); short protein forms I147T, I388T.
Identifiers: ClinVar variation 5000154 (VCV005000154.1).

ClinVar aggregate classification (germline): Uncertain significance (1 of 4 stars; one submission).

Conditions:
ADCY3-related disorder. Also called: ADCY3-related condition.

gnomAD v4.1: 1 of 1,571,744 alleles (0.000064%); highest among the groups gnomAD compares: African/African-American, 0.0013%; no homozygotes.

Submission:

PreventionGenetics, part of Exact Sciences
Classification: Uncertain significance for ADCY3-related condition. Last evaluated: 2025-05-01. Review status: criteria provided, single submitter. Criteria: ACMG Guidelines, 2015. Collection method: clinical testing. Allele origin: germline.
Comment: The ADCY3 c.1163T>C variant is predicted to result in the amino acid substitution p.Ile388Thr. To our knowledge, this variant has not been reported in the literature or in a large population database (gnomAD), indicating this variant is rare. At this time, the clinical significance of this variant is uncertain due to the absence of conclusive functional and genetic evidence.